The following is an entry in ClinVar:

NM_020458.4(TTC7A):c.549C>T (p.Ile183=)

Genes: TTC7A (tetratricopeptide repeat domain 7A; plus strand), LOC126806211 (CDK7 strongly-dependent group 2 enhancer GRCh37_chr2:47201305-47202504; plus strand). Cytogenetic location: 2p21.
Variant type: single nucleotide variant.
Coding change: c.549C>T on transcript NM_020458.4 (MANE Select); coding-DNA position 549, C replaced by T.
Protein change: p.Ile183=; no amino-acid change (isoleucine 183 retained).
Molecular consequence: synonymous variant. On other transcripts: 5 prime UTR variant (1).
Genome position (GRCh38, 1-based): chr2:46,975,004, C>T. VCF-style: chr2-46975004-C-T. GRCh37 (hg19) VCF-style: chr2-47202143-C-T.
Other names: c.549C>T, p.Ile183= (NM_001288951.2); c.447C>T, p.Ile149= (NM_001288953.2); c.-356C>T (NM_001288955.2).
Identifiers: ClinVar variation 750725 (VCV000750725.33), dbSNP rs199800071, ClinGen allele CA1647249.
Genomic context (GRCh38, chr2:46,975,004, plus strand): 5'-AGGTCTGAGGCACCCTCTTCCTCCCGCAGGCCTCTCTCTGGAACGCCTACCCAACTCCAT[C>T]GCCTCCCGCTTCCGCCTGACAGAGAGGGAGGAGGAAGTGATCACCTGTTTTGAGAGGGCC-3'
Protein context (NP_065191.2, residues 173-193): GLSLERLPNS[Ile183=]ASRFRLTERE

ClinVar aggregate classification (germline): Likely benign. Review status: criteria provided, multiple submitters, no conflicts (2 of 4 stars). 3 submissions from 3 submitters: Likely benign (3). Last evaluated 2026-01-17.

Conditions:
Multiple gastrointestinal atresias. Also called: FAMILIAL INTESTINAL POLYATRESIA SYNDROME; Multiple intestinal atresia. Identifiers: Orphanet 2300, MedGen C0220744, MONDO:0009465.

Allele frequency attached by ClinVar (database versions not stated): ExAC 0.00003; gnomAD exomes 0.00014 and 0.00019; 1000 Genomes Project 0.00020; 1000 Genomes Project 30x 0.00031; gnomAD 0.00036 and 0.00037; TOPMed 0.00037.
gnomAD v4.1: 343 of 1,614,012 alleles (0.021%); highest among the groups gnomAD compares: Admixed American, 0.092%; 1 homozygote.

Submissions (3):

Labcorp Genetics (formerly Invitae), Labcorp
Classification: Likely benign for Multiple gastrointestinal atresias. Last evaluated: 2026-01-17. Review status: criteria provided, single submitter. Criteria: Invitae Variant Classification Sherloc (09022015). Collection method: clinical testing. Allele origin: germline.

Blueprint Genetics
Classification: Likely benign. Last evaluated: 2024-10-11. Review status: criteria provided, single submitter. Criteria: ACMG Guidelines, 2015. Collection method: clinical testing. Allele origin: germline.

CeGaT Center for Human Genetics Tuebingen
Classification: Likely benign. Last evaluated: 2023-12-01. Review status: criteria provided, single submitter. Criteria: CeGaT Center For Human Genetics Tuebingen Variant Classification Criteria Version 2. Collection method: clinical testing. Allele origin: germline. Affected: yes. Observed: 1 variant allele.
Comment: TTC7A: BP4, BP7